The following is an entry in ClinVar:

ClinVar aggregate classification (germline): Likely benign (0 of 4 stars; one submission).

Conditions:
ADGRL2-related disorder. Also called: ADGRL2-related condition.

Allele frequency attached by ClinVar (database versions not stated): gnomAD exomes 0.00011; 1000 Genomes Project 30x 0.00016; 1000 Genomes Project 0.00020; ExAC 0.00046; gnomAD 0.00141; TOPMed 0.00152; ESP Exome Variant Server 0.00192.
gnomAD v4.1: 384 of 1,614,078 alleles (0.024%); highest among the groups gnomAD compares: African/African-American, 0.46%; no homozygotes.

Submission:

PreventionGenetics, part of Exact Sciences
Classification: Likely benign for ADGRL2-related condition. Last evaluated: 2019-04-01. Review status: no assertion criteria provided. Collection method: clinical testing. Allele origin: germline.
Comment: This variant is classified as likely benign based on ACMG/AMP sequence variant interpretation guidelines (Richards et al. 2015 PMID: 25741868, with internal and published modifications).

NM_001366006.2(ADGRL2):c.4013T>C (p.Ile1338Thr)

Gene: ADGRL2 (adhesion G protein-coupled receptor L2; plus strand). Cytogenetic location: 1p31.1.
Variant type: single nucleotide variant.
Coding change: c.4013T>C on transcript NM_001366006.2 (MANE Select); coding-DNA position 4013, T replaced by C.
Protein change: p.Ile1338Thr; replaces isoleucine 1338 with threonine.
Molecular consequence: missense variant. On other transcripts: 3 prime UTR variant (8), non-coding transcript variant (1).
Genome position (GRCh38, 1-based): chr1:81,990,748, T>C. VCF-style: chr1-81990748-T-C. GRCh37 (hg19) VCF-style: chr1-82456432-T-C.
Other names: c.3815T>C, p.Ile1272Thr (NM_001297704.3, NM_001366002.2, NM_001393351.1 and 2 more transcripts); c.*387T>C (NM_001297705.3); c.*346T>C (NM_001297706.3, NM_001366009.2, NM_001393353.1); c.3854T>C, p.Ile1285Thr (NM_001330645.3, NM_001393350.1); c.3995T>C, p.Ile1332Thr (NM_001350698.2, NM_001366003.2, NM_001366004.2 and 1 more transcripts); c.*405T>C (NM_001350699.2, NM_001393354.1); c.4013T>C, p.Ile1338Thr (NM_001366005.2); c.*373T>C (NM_001366007.2, NM_001366008.2); short protein forms I1272T, I1285T, I1332T, I1338T.
Identifiers: ClinVar variation 3049645 (VCV003049645.2), dbSNP rs148181687, ClinGen allele CA923229.
Genomic context (GRCh38, chr1:81,990,748, plus strand): 5'-TAATGCACAGCGACAACCCAGGGCTGGAGCTCCATCACAAAGAACTCGAGGCACCACTTA[T>C]TCCTCAGCGGACTCACTCCCTTCTGTACCAACCCCAGAAGAAAGTGAAGTCCGAGGGAAC-3'
Protein context (NP_001352935.1, residues 1328-1348): LHHKELEAPL[Ile1338Thr]PQRTHSLLYQ